The following is an entry in ClinVar:

NM_004646.4(NPHS1):c.137G>A (p.Gly46Glu)

Genes: KIRREL2 (kirre like nephrin family adhesion molecule 2; plus strand), NPHS1 (NPHS1 adhesion molecule, nephrin; minus strand). Cytogenetic location: 19q13.12.
Variant type: single nucleotide variant.
Coding change: c.137G>A on transcript NM_004646.4 (MANE Select); coding-DNA position 137, G replaced by A.
Protein change: p.Gly46Glu; replaces glycine 46 with glutamic acid.
Molecular consequence: missense variant.
Genome position (GRCh38, 1-based): chr19:35,851,594, C>T on the plus strand (G>A on the coding strand, the complement: NPHS1 is on the minus strand). VCF-style: chr19-35851594-C-T. GRCh37 (hg19) VCF-style: chr19-36342496-C-T.
Other names: short protein forms G46E.
Identifiers: ClinVar variation 2549517 (VCV002549517.3), dbSNP rs2513786137, ClinGen allele CA405412184.

ClinVar aggregate classification (germline): Uncertain significance (1 of 4 stars; one submission).

Conditions:
Inborn genetic diseases. Identifiers: MedGen C0950123, MeSH D030342.

Submission:

Ambry Genetics
Classification: Uncertain significance for Inborn genetic diseases. Last evaluated: 2023-06-30. Review status: criteria provided, single submitter. Criteria: Ambry Variant Classification Scheme 2023. Collection method: clinical testing. Allele origin: germline.
Comment: The c.137G>A (p.G46E) alteration is located in exon 2 (coding exon 2) of the NPHS1 gene. This alteration results from a G to A substitution at nucleotide position 137, causing the glycine (G) at amino acid position 46 to be replaced by a glutamic acid (E). This variant was not reported in population-based cohorts in the Genome Aggregation Database (gnomAD). This amino acid position is highly conserved in available vertebrate species. The in silico prediction for this alteration is inconclusive. Based on insufficient or conflicting evidence, the clinical significance of this alteration remains unclear.